The following is an entry in ClinVar:

ClinVar aggregate classification (germline): Uncertain significance (0 of 4 stars; one submission).

Conditions:
KIF5A-related disorder. Also called: KIF5A-related disorders; KIF5A-related condition.

Submission:

PreventionGenetics, part of Exact Sciences
Classification: Uncertain significance for KIF5A-related condition. Last evaluated: 2024-04-03. Review status: no assertion criteria provided. Collection method: clinical testing. Allele origin: germline.
Comment: The KIF5A c.805C>A variant is predicted to result in the amino acid substitution p.Leu269Met. To our knowledge, this variant has not been reported in the literature or in gnomAD, indicating this variant is rare. At this time, the clinical significance of this variant is uncertain due to the absence of conclusive functional and genetic evidence.

NM_004984.4(KIF5A):c.805C>A (p.Leu269Met)

Gene: KIF5A (kinesin family member 5A; plus strand). Cytogenetic location: 12q13.3.
Variant type: single nucleotide variant.
Coding change: c.805C>A on transcript NM_004984.4 (MANE Select); coding-DNA position 805, C replaced by A.
Protein change: p.Leu269Met; replaces leucine 269 with methionine.
Molecular consequence: missense variant.
Genome position (GRCh38, 1-based): chr12:57,569,053, C>A. VCF-style: chr12-57569053-C-A. GRCh37 (hg19) VCF-style: chr12-57962836-C-A.
Other names: c.538C>A, p.Leu180Met (NM_001354705.2); short protein forms L180M, L269M.
Identifiers: ClinVar variation 3347644 (VCV003347644.1).